The following is an entry in ClinVar:

NM_021098.3(CACNA1H):c.4780G>T (p.Ala1594Ser)

Gene: CACNA1H (calcium voltage-gated channel subunit alpha1 H; plus strand). Cytogenetic location: 16p13.3.
Variant type: single nucleotide variant.
Coding change: c.4780G>T on transcript NM_021098.3 (MANE Select); coding-DNA position 4780, G replaced by T.
Protein change: p.Ala1594Ser; replaces alanine 1594 with serine.
Molecular consequence: missense variant.
Genome position (GRCh38, 1-based): chr16:1,213,782, G>T. VCF-style: chr16-1213782-G-T. GRCh37 (hg19) VCF-style: chr16-1263782-G-T.
Other names: c.4762G>T, p.Ala1588Ser (NM_001005407.2); short protein forms A1588S, A1594S.
Identifiers: ClinVar variation 800211 (VCV000800211.5), dbSNP rs532865207, ClinGen allele CA7801619.
Genomic context (GRCh38, chr16:1,213,782, plus strand): 5'-GGAGCCAGGAGCGCCGGGCGGCCCTCCTGCCCGGCGCTCATGGCCGCCCTCCCCGCAGAG[G>T]CCCAGCGCCGGCCCTACTATGCCGACTACTCGCCCACGCGCCGCTCCATTCACTCGCTGT-3'
Protein context (NP_066921.2, residues 1584-1604): RRRSTFPSPE[Ala1594Ser]QRRPYYADYS

ClinVar aggregate classification (germline): Likely benign. Review status: criteria provided, single submitter (1 of 4 stars). 2 submissions from 2 submitters: Likely benign (1). 1 of the submissions does not count toward it. Last evaluated 2018-10-25.

Conditions:
CACNA1H-related disorder.

Allele frequency attached by ClinVar (database versions not stated): gnomAD 0.00001 and 0.00009; TOPMed 0.00001; gnomAD exomes 0.00007; 1000 Genomes Project 0.00020; ExAC 0.00020; 1000 Genomes Project 30x 0.00031.

Submissions (2):

Labcorp Genetics (formerly Invitae), Labcorp
Classification: Likely benign. Last evaluated: 2018-10-25. Review status: criteria provided, single submitter. Criteria: Invitae Variant Classification Sherloc (09022015). Collection method: clinical testing. Allele origin: germline.

PreventionGenetics, part of Exact Sciences
Classification: Likely benign for CACNA1H-related condition. Last evaluated: 2023-03-27. Review status: no assertion criteria provided. Collection method: clinical testing. Allele origin: germline. Not counted in ClinVar's aggregate classification.
Comment: This variant is classified as likely benign based on ACMG/AMP sequence variant interpretation guidelines (Richards et al. 2015 PMID: 25741868, with internal and published modifications).